The following is an entry in ClinVar:

NM_014639.4(SKIC3):c.2114+2T>A

Gene: SKIC3 (SKI3 subunit of superkiller complex; minus strand). Cytogenetic location: 5q15.
Variant type: single nucleotide variant.
Coding change: c.2114+2T>A on transcript NM_014639.4 (MANE Select); the canonical splice donor site of the intron after coding-DNA position 2114, T replaced by A.
Molecular consequence: splice donor variant.
Genome position (GRCh38, 1-based): chr5:95,520,714, A>T on the plus strand (T>A on the coding strand, the complement: SKIC3 is on the minus strand). VCF-style: chr5-95520714-A-T. GRCh37 (hg19) VCF-style: chr5-94856418-A-T.
Identifiers: ClinVar variation 1804797 (VCV001804797.1), dbSNP rs2530762171, ClinGen allele CA360462241.
Genomic context (GRCh38, chr5:95,520,714, plus strand): 5'-CTAAATTTGGCTTCATTTTAATATTACAAAAATAAACAATAAATAATAAGAATAATACGA[A>T]CCAAGTAAAATATTCCAGTGCTTTTTCTATGTAGTCTACGGCTTTTCCATCAAGATAATC-3'

ClinVar aggregate classification (germline): Likely pathogenic (1 of 4 stars; one submission).

Conditions:
Trichohepatoenteric syndrome. Also called: Syndromic diarrhea; Tricho-hepato-enteric syndrome; THE SYNDROME. Identifiers: Orphanet 84064, MedGen C1857276, MONDO:0009105.

gnomAD v4.1: 1 of 1,604,732 alleles (0.000062%); no homozygotes.

Submission:

Women's Health and Genetics/Laboratory Corporation of America, LabCorp
Classification: Likely pathogenic for Trichohepatoenteric syndrome. Last evaluated: 2022-11-09. Review status: criteria provided, single submitter. Criteria: LabCorp Variant Classification Summary - May 2015. Collection method: clinical testing. Allele origin: germline.
Comment: Variant summary: TTC37 c.2114+2T>A is located in a canonical splice-site and is predicted to affect mRNA splicing resulting in a significantly altered protein due to either exon skipping, shortening, or inclusion of intronic material. 1/4 computational tools predict the variant abolish the canonical 5' donor site. 3/4 computational tools predict no significant impact on normal splicing. However, these predictions have yet to be confirmed by functional studies. The variant was absent in 247106 control chromosomes (gnomAD). To our knowledge, no occurrence of c.2114+2T>A in individuals affected with Trichohepatoenteric Syndrome and no experimental evidence demonstrating its impact on protein function have been reported. No clinical diagnostic laboratories have submitted clinical-significance assessments for this variant to ClinVar after 2014. Based on the evidence outlined above, the variant was classified as likely pathogenic.